The following is an entry in ClinVar:

ClinVar aggregate classification (germline): Uncertain significance. Review status: criteria provided, multiple submitters, no conflicts (2 of 4 stars). 2 submissions from 2 submitters: Uncertain significance (2). Last evaluated 2025-04-14.

Conditions:
Developmental and epileptic encephalopathy, 1 (DEE1). Also called: INFANTILE SPASM SYNDROME, X-LINKED 1; Epileptic encephalopathy, early infantile, 1; X-linked infantile spasms; West's syndrome; Tonic spasms with clustering, arrest of psychomotor development and hypsarrhythmia on EEG; X-Linked Infantile Spasm Syndrome. Identifiers: MedGen C3463992, MONDO:0010632, OMIM 308350. Disease mechanism: loss of function.
Autosomal recessive spinocerebellar ataxia 12. Also called: SPINOCEREBELLAR ATAXIA WITH MENTAL RETARDATION AND EPILEPSY. Identifiers: Orphanet 284282, MedGen C3280452, MONDO:0013687, OMIM 614322.

gnomAD v4.1: 2 of 1,614,102 alleles (0.00012%); highest among the groups gnomAD compares: Admixed American, 0.0033%; no homozygotes.

Submissions (2):

Labcorp Genetics (formerly Invitae), Labcorp
Classification: Uncertain significance for Developmental and epileptic encephalopathy, 1; Autosomal recessive spinocerebellar ataxia 12. Last evaluated: 2025-04-14. Review status: criteria provided, single submitter. Criteria: Invitae Variant Classification Sherloc (09022015). Collection method: clinical testing. Allele origin: germline.
Comment: This sequence change replaces valine with alanine at codon 177 of the WWOX protein (p.Val177Ala). The valine residue is moderately conserved and there is a small physicochemical difference between valine and alanine. This variant is not present in population databases (gnomAD no frequency). This variant has not been reported in the literature in individuals affected with WWOX-related conditions. ClinVar contains an entry for this variant (Variation ID: 1419399). Invitae Evidence Modeling of protein sequence and biophysical properties (such as structural, functional, and spatial information, amino acid conservation, physicochemical variation, residue mobility, and thermodynamic stability) indicates that this missense variant is not expected to disrupt WWOX protein function with a negative predictive value of 80%. In summary, the available evidence is currently insufficient to determine the role of this variant in disease. Therefore, it has been classified as a Variant of Uncertain Significance.

Blueprint Genetics
Classification: Uncertain significance. Last evaluated: 2023-10-26. Review status: criteria provided, single submitter. Criteria: ACMG Guidelines, 2015. Collection method: clinical testing. Allele origin: germline.

NM_016373.4(WWOX):c.530T>C (p.Val177Ala)

Gene: WWOX (WW domain containing oxidoreductase; plus strand). Cytogenetic location: 16q23.1.
Variant type: single nucleotide variant.
Coding change: c.530T>C on transcript NM_016373.4 (MANE Select); coding-DNA position 530, T replaced by C.
Protein change: p.Val177Ala; replaces valine 177 with alanine.
Molecular consequence: missense variant.
Genome position (GRCh38, 1-based): chr16:78,386,873, T>C. VCF-style: chr16-78386873-T-C. GRCh37 (hg19) VCF-style: chr16-78420770-T-C.
Other names: c.191T>C, p.Val64Ala (NM_001291997.2); short protein forms V177A, V64A.
Identifiers: ClinVar variation 1419399 (VCV001419399.6), dbSNP rs2151934103, ClinGen allele CA396843863.